The following is an entry in ClinVar:

ClinVar aggregate classification (germline): Uncertain significance (1 of 4 stars; one submission).

Conditions:
Hereditary cancer-predisposing syndrome. Also called: Hereditary Cancer Syndrome; Hereditary neoplastic syndrome; Neoplastic Syndromes, Hereditary; Tumor predisposition. Identifiers: Orphanet 140162, MedGen C0027672, MeSH D009386, MONDO:0015356.

Submission:

Ambry Genetics
Classification: Uncertain significance for Hereditary cancer-predisposing syndrome. Last evaluated: 2021-12-29. Review status: criteria provided, single submitter. Criteria: Ambry Variant Classification Scheme 2023. Collection method: clinical testing. Allele origin: germline.
Comment: The p.K483E variant (also known as c.1447A>G), located in coding exon 9 of the RAD50 gene, results from an A to G substitution at nucleotide position 1447. The lysine at codon 483 is replaced by glutamic acid, an amino acid with similar properties. This amino acid position is conserved. In addition, the in silico prediction for this alteration is inconclusive. Since supporting evidence is limited at this time, the clinical significance of this alteration remains unclear.

NM_005732.4(RAD50):c.1447A>G (p.Lys483Glu)

Gene: RAD50 (RAD50 double strand break repair protein; plus strand). Cytogenetic location: 5q31.1.
Variant type: single nucleotide variant.
Coding change: c.1447A>G on transcript NM_005732.4 (MANE Select); coding-DNA position 1447, A replaced by G.
Protein change: p.Lys483Glu; replaces lysine 483 with glutamic acid.
Molecular consequence: missense variant.
Genome position (GRCh38, 1-based): chr5:132,589,832, A>G. VCF-style: chr5-132589832-A-G. GRCh37 (hg19) VCF-style: chr5-131925524-A-G.
Other names: short protein forms K483E.
Identifiers: ClinVar variation 1772810 (VCV001772810.2), dbSNP rs2479637532, ClinGen allele CA360944953.